The following is an entry in ClinVar:

NM_176824.3(BBS7):c.1184G>A (p.Ser395Asn)

Gene: BBS7 (Bardet-Biedl syndrome 7; minus strand). Cytogenetic location: 4q27.
Variant type: single nucleotide variant.
Coding change: c.1184G>A on transcript NM_176824.3 (MANE Select); coding-DNA position 1184, G replaced by A.
Protein change: p.Ser395Asn; replaces serine 395 with asparagine.
Molecular consequence: missense variant.
Genome position (GRCh38, 1-based): chr4:121,845,550, C>T on the plus strand (G>A on the coding strand, the complement: BBS7 is on the minus strand). VCF-style: chr4-121845550-C-T. GRCh37 (hg19) VCF-style: chr4-122766705-C-T.
Other names: c.1184G>A, p.Ser395Asn (NM_018190.4); short protein forms S395N.
Identifiers: ClinVar variation 851786 (VCV000851786.6), dbSNP rs889491713, ClinGen allele CA104762467.

ClinVar aggregate classification (germline): Uncertain significance. Review status: criteria provided, multiple submitters, no conflicts (2 of 4 stars). 3 submissions from 3 submitters: Uncertain significance (3). Last evaluated 2025-06-20.

Conditions:
Bardet-Biedl syndrome (BBS). Identifiers: Orphanet 110, MedGen C0752166, MONDO:0015229.
BBS7-related disorder. Also called: BBS7-related condition.
Bardet-Biedl syndrome 7 (BBS7). Identifiers: Orphanet 110, MedGen C1859565, MONDO:0014435, OMIM 615984.

Allele frequency attached by ClinVar (database versions not stated): gnomAD exomes below 0.00001 and 0.00001; gnomAD 0.00001; TOPMed 0.00003.

Submissions (3):

PreventionGenetics, part of Exact Sciences
Classification: Uncertain significance for BBS7-related condition. Last evaluated: 2025-06-20. Review status: criteria provided, single submitter. Criteria: ACMG Guidelines, 2015. Collection method: clinical testing. Allele origin: germline.
Comment: The BBS7 c.1184G>A variant is predicted to result in the amino acid substitution p.Ser395Asn. To our knowledge, this variant has not been reported in the literature. This variant is reported in 0.0018% of alleles in individuals of European (non-Finnish) descent in gnomAD. At this time, the clinical significance of this variant is uncertain due to the absence of conclusive functional and genetic evidence.

Fulgent Genetics
Classification: Uncertain significance for Bardet-Biedl syndrome 7. Last evaluated: 2024-06-10. Review status: criteria provided, single submitter. Criteria: ACMG Guidelines, 2015. Collection method: clinical testing. Allele origin: germline.

Labcorp Genetics (formerly Invitae), Labcorp
Classification: Uncertain significance for Bardet-Biedl syndrome. Last evaluated: 2021-08-31. Review status: criteria provided, single submitter. Criteria: Invitae Variant Classification Sherloc (09022015). Collection method: clinical testing. Allele origin: germline.
Comment: This sequence change replaces serine with asparagine at codon 395 of the BBS7 protein (p.Ser395Asn). The serine residue is highly conserved and there is a small physicochemical difference between serine and asparagine. This variant is not present in population databases (ExAC no frequency). This variant has not been reported in the literature in individuals affected with BBS7-related conditions. Algorithms developed to predict the effect of missense changes on protein structure and function (SIFT, PolyPhen-2, Align-GVGD) all suggest that this variant is likely to be tolerated. In summary, the available evidence is currently insufficient to determine the role of this variant in disease. Therefore, it has been classified as a Variant of Uncertain Significance.